The following is an entry in ClinVar:

NM_000098.3(CPT2):c.790del (p.Ile263_Val264insTer)

Gene: CPT2 (carnitine palmitoyltransferase 2; plus strand). Cytogenetic location: 1p32.3.
Variant type: Deletion.
Coding change: c.790del on transcript NM_000098.3 (MANE Select); coding-DNA position 790, one base deleted (G; older notation c.790delG).
Protein change: p.Ile263_Val264insTer.
Molecular consequence: nonsense.
Genome position (GRCh38, 1-based): chr1:53,210,464, G deleted. VCF-style (leftmost placement, unchanged base first): chr1-53210463-TG-T. GRCh37 (hg19) VCF-style: chr1-53676135-TG-T.
Other names: c.790del, p.Ile263_Val264insTer (NM_001330589.2).
Identifiers: ClinVar variation 2165193 (VCV002165193.4), dbSNP rs1215020674, ClinGen allele CA523273494.
Genomic context (GRCh38, chr1:53,210,463, plus strand): 5'-CCTGGTCCTAAGGAAAGGAAATTTTTATATCTTTGATGTCCTGGATCAAGATGGGAACAT[TG>T]TGAGCCCCTCGGAAATCCAGGCACATCTGAAGTACATTCTCTCAGACAGCAGCCCCGCCC-3'

ClinVar aggregate classification (germline): Pathogenic (1 of 4 stars; one submission).

Conditions:
Carnitine palmitoyltransferase II deficiency. Also called: Carnitine Palmitoyltransferase 2 Deficiency. Identifiers: Orphanet 157, MedGen C0342790, MONDO:0015515.

Allele frequency attached by ClinVar (database versions not stated): gnomAD exomes below 0.00001; TOPMed below 0.00001.

Submission:

Labcorp Genetics (formerly Invitae), Labcorp
Classification: Pathogenic for Carnitine palmitoyltransferase II deficiency. Last evaluated: 2023-10-13. Review status: criteria provided, single submitter. Criteria: Invitae Variant Classification Sherloc (09022015). Collection method: clinical testing. Allele origin: germline.
Comment: This sequence change creates a premature translational stop signal (p.Val264*) in the CPT2 gene. It is expected to result in an absent or disrupted protein product. Loss-of-function variants in CPT2 are known to be pathogenic (PMID: 16781677, 16996287). This variant is present in population databases (no rsID available, gnomAD 0.006%). This variant has not been reported in the literature in individuals affected with CPT2-related conditions. ClinVar contains an entry for this variant (Variation ID: 2165193). For these reasons, this variant has been classified as Pathogenic.

Literature cited by the submitters: PubMed 16781677; PubMed 16996287.